The following is an entry in ClinVar:

NM_000810.4(GABRA5):c.757C>G (p.Leu253Val)

Gene: GABRA5 (gamma-aminobutyric acid type A receptor subunit alpha5; plus strand). Cytogenetic location: 15q12.
Variant type: single nucleotide variant.
Coding change: c.757C>G on transcript NM_000810.4 (MANE Select); coding-DNA position 757, C replaced by G.
Protein change: p.Leu253Val; replaces leucine 253 with valine.
Molecular consequence: missense variant.
Genome position (GRCh38, 1-based): chr15:26,939,957, C>G. VCF-style: chr15-26939957-C-G. GRCh37 (hg19) VCF-style: chr15-27185104-C-G.
Other names: c.757C>G, p.Leu253Val (NM_001165037.2); short protein forms L253V.
Identifiers: ClinVar variation 2662208 (VCV002662208.1), dbSNP rs2504349278, ClinGen allele CA391460064.

ClinVar aggregate classification (germline): Uncertain significance (1 of 4 stars; one submission).

Submission:

GeneDx
Classification: Uncertain significance. Last evaluated: 2023-05-11. Review status: criteria provided, single submitter. Criteria: GeneDx Variant Classification Process June 2021. Collection method: clinical testing. Allele origin: germline. Affected: yes.
Comment: Not observed at significant frequency in large population cohorts (gnomAD); In silico analysis supports that this missense variant has a deleterious effect on protein structure/function; Has not been previously published as pathogenic or benign to our knowledge